The following is an entry in ClinVar:

ClinVar aggregate classification (germline): Likely benign. Review status: criteria provided, multiple submitters, no conflicts (2 of 4 stars). 4 submissions from 4 submitters: Likely benign (4). Last evaluated 2026-09-01.

Conditions:
Dilated cardiomyopathy 1G (CMD1G). Identifiers: Orphanet 154, MedGen C1858763, MONDO:0011400, OMIM 604145.
Autosomal recessive limb-girdle muscular dystrophy type 2J (LGMDR10). Also called: Limb-girdle muscular dystrophy, type 2J; MUSCULAR DYSTROPHY, LIMB-GIRDLE, AUTOSOMAL RECESSIVE 10. Identifiers: Orphanet 140922, MedGen C1837342, MONDO:0012127, OMIM 608807.
TTN-related disorder. Also called: TTN-related condition; TTN-related disease; TTN-related disorders.
Cardiovascular phenotype. Identifiers: MedGen CN230736.

Allele frequency attached by ClinVar (database versions not stated): gnomAD exomes 0.00001 and 0.00002; ExAC 0.00003; ESP Exome Variant Server 0.00008; gnomAD 0.00010; TOPMed 0.00011; 1000 Genomes Project 30x 0.00016; 1000 Genomes Project 0.00020.
gnomAD v4.1: 31 of 1,611,738 alleles (0.0019%); highest among the groups gnomAD compares: African/African-American, 0.036%; no homozygotes.

Submissions (4):

CeGaT Center for Human Genetics Tuebingen
Classification: Likely benign. Last evaluated: 2026-09-01. Review status: criteria provided, single submitter. Criteria: CeGaT Center For Human Genetics Tuebingen Variant Classification Criteria Version 2. Collection method: clinical testing. Allele origin: germline. Affected: yes. Observed: 1 variant allele.
Comment: TTN: BP4, BP7

PreventionGenetics, part of Exact Sciences
Classification: Likely benign for TTN-related condition. Last evaluated: 2026-02-19. Review status: criteria provided, single submitter. Criteria: ACMG Guidelines, 2015. Collection method: clinical testing. Allele origin: germline.
Comment: This variant is classified as likely benign based on ACMG/AMP sequence variant interpretation guidelines (Richards et al. 2015 PMID: 25741868, with internal and published modifications).

Labcorp Genetics (formerly Invitae), Labcorp
Classification: Likely benign for Dilated cardiomyopathy 1G; Autosomal recessive limb-girdle muscular dystrophy type 2J. Last evaluated: 2025-11-23. Review status: criteria provided, single submitter. Criteria: Invitae Variant Classification Sherloc (09022015). Collection method: clinical testing. Allele origin: germline.

Ambry Genetics
Classification: Likely benign for Cardiovascular phenotype. Last evaluated: 2020-03-18. Review status: criteria provided, single submitter. Criteria: Ambry Variant Classification Scheme 2023. Collection method: clinical testing. Allele origin: germline.

NM_001267550.2(TTN):c.53958C>T (p.Ile17986=)

Genes: TTN (titin; minus strand), TTN-AS1 (TTN antisense RNA 1; plus strand). Cytogenetic location: 2q31.2.
Variant type: single nucleotide variant.
Coding change: c.53958C>T on transcript NM_001267550.2 (MANE Select); coding-DNA position 53958, C replaced by T.
Protein change: p.Ile17986=; no amino-acid change (isoleucine 17986 retained).
Molecular consequence: synonymous variant. On other transcripts: non-coding transcript variant (1).
Genome position (GRCh38, 1-based): chr2:178,605,219, G>A on the plus strand (C>T on the coding strand, the complement: TTN is on the minus strand). VCF-style: chr2-178605219-G-A. GRCh37 (hg19) VCF-style: chr2-179469946-G-A.
Other names: c.49035C>T, p.Ile16345= (NM_001256850.1); c.26763C>T, p.Ile8921= (NM_003319.4); c.46254C>T, p.Ile15418= (NM_133378.4); c.27138C>T, p.Ile9046= (NM_133432.3); c.27339C>T, p.Ile9113= (NM_133437.4).
Identifiers: ClinVar variation 1161616 (VCV001161616.13), dbSNP rs192319879, ClinGen allele CA1993714.